The following is an entry in ClinVar:

NM_001371904.1(APOA5):c.283C>T (p.Gln95Ter)

Gene: APOA5 (apolipoprotein A5; minus strand). Cytogenetic location: 11q23.3.
Variant type: single nucleotide variant.
Coding change: c.283C>T on transcript NM_001371904.1 (MANE Select); coding-DNA position 283, C replaced by T.
Protein change: p.Gln95Ter; replaces glutamine 95 with a stop codon.
Molecular consequence: nonsense.
Genome position (GRCh38, 1-based): chr11:116,790,946, G>A on the plus strand (C>T on the coding strand, the complement: APOA5 is on the minus strand). VCF-style: chr11-116790946-G-A. GRCh37 (hg19) VCF-style: chr11-116661662-G-A.
Other names: c.283C>T, p.Gln95Ter (NM_001166598.2, NM_052968.5); short protein forms Q95*.
Identifiers: ClinVar variation 3721095 (VCV003721095.2).

ClinVar aggregate classification (germline): Uncertain significance (1 of 4 stars; one submission).

gnomAD v4.1: 15 of 1,613,172 alleles (0.00093%); highest among the groups gnomAD compares: Non-Finnish European, 0.0013%; no homozygotes.

Submission:

Labcorp Genetics (formerly Invitae), Labcorp
Classification: Uncertain significance. Last evaluated: 2025-09-14. Review status: criteria provided, single submitter. Criteria: Invitae Variant Classification Sherloc (09022015). Collection method: clinical testing. Allele origin: germline.
Comment: This sequence change creates a premature translational stop signal (p.Gln95*) in the APOA5 gene. While this is not anticipated to result in nonsense mediated decay, it is expected to disrupt the last 272 amino acid(s) of the APOA5 protein. This variant is present in population databases (rs756437615, gnomAD 0.002%). This premature translational stop signal has been observed in individual(s) with APOA5-related conditions (PMID: 21993410, 25487149, 36325899). ClinVar contains an entry for this variant (Variation ID: 3721095). In summary, the available evidence is currently insufficient to determine the role of this variant in disease. Therefore, it has been classified as a Variant of Uncertain Significance.

Literature cited by the submitters: PubMed 21993410; PubMed 25487149; PubMed 36325899.